The following is an entry in ClinVar:

NM_001365999.1(SZT2):c.1261+1G>A

Gene: SZT2 (SZT2 subunit of KICSTOR complex; plus strand). Cytogenetic location: 1p34.2.
Variant type: single nucleotide variant.
Coding change: c.1261+1G>A on transcript NM_001365999.1 (MANE Select); the canonical splice donor site of the intron after coding-DNA position 1261, G replaced by A.
Molecular consequence: splice donor variant.
Genome position (GRCh38, 1-based): chr1:43,420,324, G>A. VCF-style: chr1-43420324-G-A. GRCh37 (hg19) VCF-style: chr1-43885995-G-A.
Other names: c.1261+1G>A (NM_015284.4).
Identifiers: ClinVar variation 1492022 (VCV001492022.6), dbSNP rs2153932173, ClinGen allele CA340007045.
Genomic context (GRCh38, chr1:43,420,324, plus strand): 5'-GCACTGTGTCCGTACGGCTTCGAGAGGGCTACAGTGTCCGAGAGGTCACACTGGCCAAAG[G>A]TAAGGGTCATTAGGCCCTGCTGTAATCCCATAGATCTCTCAAGAATTTGTGTGTGGGAAG-3'

ClinVar aggregate classification (germline): Likely pathogenic (1 of 4 stars; one submission).

Submission:

Labcorp Genetics (formerly Invitae), Labcorp
Classification: Likely pathogenic. Last evaluated: 2023-12-19. Review status: criteria provided, single submitter. Criteria: Invitae Variant Classification Sherloc (09022015). Collection method: clinical testing. Allele origin: germline.
Comment: This sequence change affects a donor splice site in intron 9 of the SZT2 gene. It is expected to disrupt RNA splicing. Variants that disrupt the donor or acceptor splice site typically lead to a loss of protein function (PMID: 16199547), and loss-of-function variants in SZT2 are known to be pathogenic (PMID: 23932106, 27248490, 28556953). This variant is not present in population databases (gnomAD no frequency). This variant has not been reported in the literature in individuals affected with SZT2-related conditions. ClinVar contains an entry for this variant (Variation ID: 1492022). Algorithms developed to predict the effect of sequence changes on RNA splicing suggest that this variant may disrupt the consensus splice site. In summary, the currently available evidence indicates that the variant is pathogenic, but additional data are needed to prove that conclusively. Therefore, this variant has been classified as Likely Pathogenic.

Literature cited by the submitters: PubMed 16199547; PubMed 23932106; PubMed 27248490; PubMed 28556953.